The following is an entry in ClinVar:

ClinVar aggregate classification (germline): Uncertain significance (1 of 4 stars; one submission).

gnomAD v4.1: 126 of 1,614,136 alleles (0.0078%); highest among the groups gnomAD compares: Admixed American, 0.02%; no homozygotes.

Submission:

Women's Health and Genetics/Laboratory Corporation of America, LabCorp
Classification: Uncertain significance. Last evaluated: 2026-03-06. Review status: criteria provided, single submitter. Criteria: LabCorp Variant Classification Summary - May 2015. Collection method: clinical testing. Allele origin: germline.
Comment: Variant summary: VWF c.1246C>T (p.Arg416Trp) results in a non-conservative amino acid change in the encoded protein sequence. Algorithms developed to predict the effect of missense changes on protein structure and function are either unavailable or do not agree on the potential impact of this missense change. The variant allele was found at a frequency of 7.2e-05 in 251228 control chromosomes. This frequency is not significantly higher than estimated for disease-causing variants in VWF, allowing no conclusion about variant significance. To our knowledge, c.1246C>T has not been observed in individual(s) affected with Von Willebrand Disease and no experimental evidence demonstrating an impact on protein function have been reported. The following publication has been ascertained in the context of this evaluation (PMID: 23216583). ClinVar contains an entry for this variant (Variation ID: 3896285). Based on the evidence outlined above, the variant was classified as uncertain significance.

Literature cited by the submitters: PubMed 23216583.

NM_000552.5(VWF):c.1246C>T (p.Arg416Trp)

Gene: VWF (von Willebrand factor; minus strand). Cytogenetic location: 12p13.31.
Variant type: single nucleotide variant.
Coding change: c.1246C>T on transcript NM_000552.5 (MANE Select); coding-DNA position 1246, C replaced by T.
Protein change: p.Arg416Trp; replaces arginine 416 with tryptophan.
Molecular consequence: missense variant.
Genome position (GRCh38, 1-based): chr12:6,065,184, G>A on the plus strand (C>T on the coding strand, the complement: VWF is on the minus strand). VCF-style: chr12-6065184-G-A. GRCh37 (hg19) VCF-style: chr12-6174350-G-A.
Other names: short protein forms R416W.
Identifiers: ClinVar variation 3896285 (VCV003896285.3).
Genomic context (GRCh38, chr12:6,065,184, plus strand): 5'-TGGCAAAGCTCACCTGGACAGTCTCAATGACAATGGAGAAGGAGTGGTCCTGGCAATCCC[G>A]GGCCAGCAGGTACTGGCAGATCCCACTGAAGGTGAAGTATCTGTTGTCAAAGCTCTTGAA-3'
Protein context (NP_000543.3, residues 406-426): FSGICQYLLA[Arg416Trp]DCQDHSFSIV